The following is an entry in ClinVar:

ClinVar aggregate classification (germline): Uncertain significance (1 of 4 stars; one submission).

Allele frequency attached by ClinVar (database versions not stated): 1000 Genomes Project 30x 0.00031; ExAC 0.00029; gnomAD 0.00030; 1000 Genomes Project 0.00020; ESP Exome Variant Server 0.00087; TOPMed 0.00042; gnomAD exomes 0.00066.

Submission:

Labcorp Genetics (formerly Invitae), Labcorp
Classification: Uncertain significance. Last evaluated: 2026-01-14. Review status: criteria provided, single submitter. Criteria: Invitae Variant Classification Sherloc (09022015). Collection method: clinical testing. Allele origin: germline.
Comment: This sequence change replaces aspartic acid, which is acidic and polar, with glycine, which is neutral and non-polar, at codon 441 of the LSR protein (p.Asp441Gly). This variant is present in population databases (rs149756035, gnomAD 0.05%). This variant has not been reported in the literature in individuals affected with LSR-related conditions. ClinVar contains an entry for this variant (Variation ID: 2726530). An algorithm developed to predict the effect of missense changes on protein structure and function (PolyPhen-2) suggests that this variant is likely to be tolerated. In summary, the available evidence is currently insufficient to determine the role of this variant in disease. Therefore, it has been classified as a Variant of Uncertain Significance.

NM_205834.4(LSR):c.1178A>G (p.Asp393Gly)

Gene: LSR (lipolysis stimulated lipoprotein receptor; plus strand). Cytogenetic location: 19q13.12.
Variant type: single nucleotide variant.
Coding change: c.1178A>G on transcript NM_205834.4 (MANE Select); coding-DNA position 1178, A replaced by G.
Protein change: p.Asp393Gly; replaces aspartic acid 393 with glycine.
Molecular consequence: missense variant.
Genome position (GRCh38, 1-based): chr19:35,267,142, A>G. VCF-style: chr19-35267142-A-G. GRCh37 (hg19) VCF-style: chr19-35758045-A-G.
Other names: c.1118A>G, p.Asp373Gly (NM_001260489.2); c.854A>G, p.Asp285Gly (NM_001260490.2); c.971A>G, p.Asp324Gly (NM_001385215.1); c.1121A>G, p.Asp374Gly (NM_015925.7); c.974A>G, p.Asp325Gly (NM_205835.4); short protein forms D324G, D373G, D374G, D393G, D285G, D325G.
Identifiers: ClinVar variation 2726530 (VCV002726530.3), dbSNP rs149756035, ClinGen allele CA9375031.
Genomic context (GRCh38, chr19:35,267,142, plus strand): 5'-AGTCAGTGACACCCCCCTTCCCTGCAGCCATGAGTGAAGTCACCTCCCTCCACGAGGACG[A>G]CTGGCGATCTCGGCCTTCCCGGGGCCCTGCCCTCACCCCGATCCGGGATGAGGAGTGGGG-3'
Protein context (NP_991403.2, residues 383-403): MSEVTSLHED[Asp393Gly]WRSRPSRGPA